The following is an entry in ClinVar:

ClinVar aggregate classification (germline): Uncertain significance (1 of 4 stars; one submission).

Conditions:
Myopathy, proximal, and ophthalmoplegia (CMYO6). Also called: CONGENITAL MYOPATHY 6 WITH OPHTHALMOPLEGIA; MYOPATHY WITH CONGENITAL JOINT CONTRACTURES, OPHTHALMOPLEGIA, AND RIMMED VACUOLES; INCLUSION BODY MYOPATHY 3, AUTOSOMAL DOMINANT. Identifiers: Orphanet 363677, Orphanet 79091, MedGen C1854106, MONDO:0011577, OMIM 605637.

Submission:

Labcorp Genetics (formerly Invitae), Labcorp
Classification: Uncertain significance for Myopathy, proximal, and ophthalmoplegia. Last evaluated: 2023-04-09. Review status: criteria provided, single submitter. Criteria: Invitae Variant Classification Sherloc (09022015). Collection method: clinical testing. Allele origin: germline.
Comment: In summary, the available evidence is currently insufficient to determine the role of this variant in disease. Therefore, it has been classified as a Variant of Uncertain Significance. Advanced modeling of protein sequence and biophysical properties (such as structural, functional, and spatial information, amino acid conservation, physicochemical variation, residue mobility, and thermodynamic stability) performed at Invitae indicates that this missense variant is not expected to disrupt MYH2 protein function. This variant has not been reported in the literature in individuals affected with MYH2-related conditions. This variant is not present in population databases (gnomAD no frequency). This sequence change replaces methionine, which is neutral and non-polar, with threonine, which is neutral and polar, at codon 1052 of the MYH2 protein (p.Met1052Thr).

NM_017534.6(MYH2):c.3155T>C (p.Met1052Thr)

Genes: MYHAS (myosin heavy chain gene cluster antisense RNA; plus strand), MYH2 (myosin heavy chain 2; minus strand). Cytogenetic location: 17p13.1.
Variant type: single nucleotide variant.
Coding change: c.3155T>C on transcript NM_017534.6 (MANE Select); coding-DNA position 3155, T replaced by C.
Protein change: p.Met1052Thr; replaces methionine 1052 with threonine.
Molecular consequence: missense variant.
Genome position (GRCh38, 1-based): chr17:10,529,444, A>G on the plus strand (T>C on the coding strand, the complement: MYH2 is on the minus strand). VCF-style: chr17-10529444-A-G. GRCh37 (hg19) VCF-style: chr17-10432761-A-G.
Other names: c.3155T>C, p.Met1052Thr (NM_001100112.2); short protein forms M1052T.
Identifiers: ClinVar variation 2800069 (VCV002800069.3), dbSNP rs909950209, ClinGen allele CA287738980.